The following is an entry in ClinVar:

NM_020911.2(PLXNA4):c.2360G>A (p.Gly787Glu)

Gene: PLXNA4 (plexin A4; minus strand). Cytogenetic location: 7q32.3.
Variant type: single nucleotide variant.
Coding change: c.2360G>A on transcript NM_020911.2 (MANE Select); coding-DNA position 2360, G replaced by A.
Protein change: p.Gly787Glu; replaces glycine 787 with glutamic acid.
Molecular consequence: missense variant.
Genome position (GRCh38, 1-based): chr7:132,203,358, C>T on the plus strand (G>A on the coding strand, the complement: PLXNA4 is on the minus strand). VCF-style: chr7-132203358-C-T. GRCh37 (hg19) VCF-style: chr7-131888117-C-T.
Other names: c.2360G>A, p.Gly787Glu (NM_001393897.1); short protein forms G787E.
Identifiers: ClinVar variation 3031377 (VCV003031377.2), dbSNP rs181597184, ClinGen allele CA4489814.

ClinVar aggregate classification (germline): Likely benign (0 of 4 stars; one submission).

Conditions:
PLXNA4-related disorder. Also called: PLXNA4-related condition.

Allele frequency attached by ClinVar (database versions not stated): gnomAD 0.00007; gnomAD exomes 0.00007; TOPMed 0.00008; ExAC 0.00015; 1000 Genomes Project 0.00060; 1000 Genomes Project 30x 0.00062.
gnomAD v4.1: 108 of 1,614,126 alleles (0.0067%); highest among the groups gnomAD compares: East Asian, 0.24%; no homozygotes.

Submission:

PreventionGenetics, part of Exact Sciences
Classification: Likely benign for PLXNA4-related condition. Last evaluated: 2022-04-28. Review status: no assertion criteria provided. Collection method: clinical testing. Allele origin: germline.
Comment: This variant is classified as likely benign based on ACMG/AMP sequence variant interpretation guidelines (Richards et al. 2015 PMID: 25741868, with internal and published modifications).